The following is an entry in ClinVar:

NM_024649.5(BBS1):c.486G>A (p.Thr162=)

Gene: BBS1 (Bardet-Biedl syndrome 1; plus strand). Cytogenetic location: 11q13.2.
Variant type: single nucleotide variant.
Coding change: c.486G>A on transcript NM_024649.5 (MANE Select); coding-DNA position 486, G replaced by A.
Protein change: p.Thr162=; no amino-acid change (threonine 162 retained).
Molecular consequence: synonymous variant.
Genome position (GRCh38, 1-based): chr11:66,515,699, G>A. VCF-style: chr11-66515699-G-A. GRCh37 (hg19) VCF-style: chr11-66283170-G-A.
Other names: c.486G>A (NM_024649.4).
Identifiers: ClinVar variation 2179290 (VCV002179290.6), dbSNP rs779770809, ClinGen allele CA6123383.

ClinVar aggregate classification (germline): Likely benign. Review status: criteria provided, single submitter (1 of 4 stars). 2 submissions from 2 submitters: Likely benign (1). 1 of the submissions does not count toward it. Last evaluated 2023-11-28.

Conditions:
BBS1-related disorder. Also called: BBS1-related condition.
Bardet-Biedl syndrome (BBS). Identifiers: Orphanet 110, MedGen C0752166, MONDO:0015229.

Allele frequency attached by ClinVar (database versions not stated): gnomAD 0.00001; ExAC 0.00002.

Submissions (2):

Labcorp Genetics (formerly Invitae), Labcorp
Classification: Likely benign for Bardet-Biedl syndrome. Last evaluated: 2023-11-28. Review status: criteria provided, single submitter. Criteria: Invitae Variant Classification Sherloc (09022015). Collection method: clinical testing. Allele origin: germline.

PreventionGenetics, part of Exact Sciences
Classification: Likely benign for BBS1-related condition. Last evaluated: 2022-02-09. Review status: no assertion criteria provided. Collection method: clinical testing. Allele origin: germline. Not counted in ClinVar's aggregate classification.
Comment: This variant is classified as likely benign based on ACMG/AMP sequence variant interpretation guidelines (Richards et al. 2015 PMID: 25741868, with internal and published modifications).